The following is an entry in ClinVar:

NM_001018115.3(FANCD2):c.2961_2962del (p.Arg987fs)

Genes: FANCD2 (FA complementation group D2; plus strand), LOC107303338 (3p25 FANCD2 Alu-mediated recombination region; plus strand). Cytogenetic location: 3p25.3.
Variant type: Microsatellite.
Coding change: c.2961_2962del on transcript NM_001018115.3 (MANE Select); coding-DNA positions 2961 to 2962, 2 bases deleted (AG; older notation c.2961_2962delAG).
Protein change: p.Arg987fs; shifts the reading frame from arginine 987.
Molecular consequence: frameshift variant.
Genome position (GRCh38, 1-based): chr3:10,078,182-10,078,183, AG deleted; deleting any 2 consecutive bases within chr3:10,078,179-10,078,183 gives the same sequence; the c. name uses the placement nearest the transcript's 3' end. VCF-style (leftmost placement, unchanged base first): chr3-10078178-GGA-G. GRCh37 (hg19) VCF-style: chr3-10119862-GGA-G.
Other names: c.2961_2962del, p.Arg987fs (NM_001319984.2, NM_001374254.1, NM_033084.6); c.2850_2851del, p.Arg950fs (NM_001374253.1); short protein forms R950fs, R987fs.
Identifiers: ClinVar variation 2048560 (VCV002048560.4), dbSNP rs1693635796, ClinGen allele CA1345036310.
Genomic context (GRCh38, chr3:10,078,178, plus strand): 5'-TTTTCTTGCTGGAAGATCTCTCCCAGAAGCTGGAGAGTATGCTGACACCTCCTATTGCCA[GGA>G]GAGTCCCCTTTCTCAAGGTTAGTGTAGGCAGAAGCATAGGACTTGGGCATAGTGGATTTG-3'

ClinVar aggregate classification (germline): Pathogenic (1 of 4 stars; one submission).

Conditions:
Fanconi anemia (FA). Also called: Fanconi's anemia. Identifiers: Orphanet 84, MedGen C0015625, MeSH D005199, MONDO:0019391.

Submission:

Labcorp Genetics (formerly Invitae), Labcorp
Classification: Pathogenic for Fanconi anemia. Last evaluated: 2024-03-09. Review status: criteria provided, single submitter. Criteria: Invitae Variant Classification Sherloc (09022015). Collection method: clinical testing. Allele origin: germline.
Comment: This sequence change creates a premature translational stop signal (p.Arg987Serfs*38) in the FANCD2 gene. It is expected to result in an absent or disrupted protein product. Loss-of-function variants in FANCD2 are known to be pathogenic (PMID: 17436244). This variant is not present in population databases (gnomAD no frequency). This variant has not been reported in the literature in individuals affected with FANCD2-related conditions. For these reasons, this variant has been classified as Pathogenic.

Literature cited by the submitters: PubMed 17436244.